The following is an entry in ClinVar:

ClinVar aggregate classification (germline): Uncertain significance (1 of 4 stars; one submission).

Allele frequency attached by ClinVar (database versions not stated): gnomAD exomes below 0.00001.
gnomAD v4.1: 3 of 1,613,242 alleles (0.00019%); highest among the groups gnomAD compares: Non-Finnish European, 0.00017%; no homozygotes.

Submission:

Labcorp Genetics (formerly Invitae), Labcorp
Classification: Uncertain significance. Last evaluated: 2022-10-31. Review status: criteria provided, single submitter. Criteria: Invitae Variant Classification Sherloc (09022015). Collection method: clinical testing. Allele origin: germline.
Comment: This variant has not been reported in the literature in individuals affected with CENPF-related conditions. In summary, the available evidence is currently insufficient to determine the role of this variant in disease. Therefore, it has been classified as a Variant of Uncertain Significance. Algorithms developed to predict the effect of missense changes on protein structure and function output the following: SIFT: "Deleterious"; PolyPhen-2: "Probably Damaging"; Align-GVGD: "Class C15". The serine amino acid residue is found in multiple mammalian species, which suggests that this missense change does not adversely affect protein function. This variant is present in population databases (no rsID available, gnomAD 0.0009%). This sequence change replaces leucine, which is neutral and non-polar, with serine, which is neutral and polar, at codon 1807 of the CENPF protein (p.Leu1807Ser).

NM_016343.4(CENPF):c.5420T>C (p.Leu1807Ser)

Gene: CENPF (centromere protein F; plus strand). Cytogenetic location: 1q41.
Variant type: single nucleotide variant.
Coding change: c.5420T>C on transcript NM_016343.4 (MANE Select); coding-DNA position 5420, T replaced by C.
Protein change: p.Leu1807Ser; replaces leucine 1807 with serine.
Molecular consequence: missense variant.
Genome position (GRCh38, 1-based): chr1:214,644,990, T>C. VCF-style: chr1-214644990-T-C. GRCh37 (hg19) VCF-style: chr1-214818333-T-C.
Other names: short protein forms L1807S.
Identifiers: ClinVar variation 2014228 (VCV002014228.4), dbSNP rs1258561296, ClinGen allele CA344842314.
Genomic context (GRCh38, chr1:214,644,990, plus strand): 5'-TTCATGTGATAGAGGACCGTGACAGAAAAGTTGAAAGTTTGCTAAATGAAATGAAAGAAT[T>C]AGACTCAAAACTCCATTTACAGGAGGTACAACTAATGACCAAAATTGAAGCATGCATAGA-3'
Protein context (NP_057427.3, residues 1797-1817): VESLLNEMKE[Leu1807Ser]DSKLHLQEVQ